The following is an entry in ClinVar:

ClinVar aggregate classification (germline): Uncertain significance. Review status: criteria provided, multiple submitters, no conflicts (2 of 4 stars). 3 submissions from 3 submitters: Uncertain significance (3). Last evaluated 2025-08-04.

Conditions:
Gelatinous droplike corneal dystrophy (GDLD). Also called: AMYLOID CORNEAL DYSTROPHY, JAPANESE TYPE. Identifiers: Orphanet 98957, MedGen C0339273, MONDO:0008777, OMIM 204870.

Allele frequency attached by ClinVar (database versions not stated): gnomAD 0.00003 and 0.00004; TOPMed 0.00007; gnomAD exomes 0.00013; ExAC 0.00024.

Submissions (3):

Labcorp Genetics (formerly Invitae), Labcorp
Classification: Uncertain significance. Last evaluated: 2025-08-04. Review status: criteria provided, single submitter. Criteria: Invitae Variant Classification Sherloc (09022015). Collection method: clinical testing. Allele origin: germline.
Comment: This sequence change replaces glycine, which is neutral and non-polar, with aspartic acid, which is acidic and polar, at codon 276 of the TACSTD2 protein (p.Gly276Asp). This variant is present in population databases (rs769179472, gnomAD 0.03%). This variant has not been reported in the literature in individuals affected with TACSTD2-related conditions. ClinVar contains an entry for this variant (Variation ID: 297766). Invitae Evidence Modeling of protein sequence and biophysical properties (such as structural, functional, and spatial information, amino acid conservation, physicochemical variation, residue mobility, and thermodynamic stability) indicates that this missense variant is not expected to disrupt TACSTD2 protein function with a negative predictive value of 80%. In summary, the available evidence is currently insufficient to determine the role of this variant in disease. Therefore, it has been classified as a Variant of Uncertain Significance.

Ambry Genetics
Classification: Uncertain significance. Last evaluated: 2023-02-16. Review status: criteria provided, single submitter. Criteria: Ambry Variant Classification Scheme 2023. Collection method: clinical testing. Allele origin: germline.

Illumina Laboratory Services, Illumina
Classification: Uncertain significance for Gelatinous droplike corneal dystrophy. Last evaluated: 2018-01-13. Review status: criteria provided, single submitter. Criteria: ICSL Variant Classification Criteria 13 December 2019. Collection method: clinical testing. Allele origin: germline.

NM_002353.3(TACSTD2):c.827G>A (p.Gly276Asp)

Gene: TACSTD2 (tumor associated calcium signal transducer 2; minus strand). Cytogenetic location: 1p32.1.
Variant type: single nucleotide variant.
Coding change: c.827G>A on transcript NM_002353.3 (MANE Select); coding-DNA position 827, G replaced by A.
Protein change: p.Gly276Asp; replaces glycine 276 with aspartic acid.
Molecular consequence: missense variant.
Genome position (GRCh38, 1-based): chr1:58,576,330, C>T on the plus strand (G>A on the coding strand, the complement: TACSTD2 is on the minus strand). VCF-style: chr1-58576330-C-T. GRCh37 (hg19) VCF-style: chr1-59042002-C-T.
Other names: short protein forms G276D.
Identifiers: ClinVar variation 297766 (VCV000297766.10), dbSNP rs769179472, ClinGen allele CA877323.